The following is an entry in ClinVar:

NM_001271.4(CHD2):c.5008T>C (p.Tyr1670His)

Gene: CHD2 (chromodomain helicase DNA binding protein 2; plus strand). Cytogenetic location: 15q26.1.
Variant type: single nucleotide variant.
Coding change: c.5008T>C on transcript NM_001271.4 (MANE Select); coding-DNA position 5008, T replaced by C.
Protein change: p.Tyr1670His; replaces tyrosine 1670 with histidine.
Molecular consequence: missense variant.
Genome position (GRCh38, 1-based): chr15:93,020,113, T>C. VCF-style: chr15-93020113-T-C. GRCh37 (hg19) VCF-style: chr15-93563343-T-C.
Other names: short protein forms Y1670H.
Identifiers: ClinVar variation 1045016 (VCV001045016.9), dbSNP rs775504391, ClinGen allele CA7748618.

ClinVar aggregate classification (germline): Uncertain significance (1 of 4 stars; one submission).

Conditions:
Developmental and epileptic encephalopathy 94 (DEE94). Also called: CHD2-Related Neurodevelopmental Disorders; Epileptic encephalopathy, childhood-onset. Identifiers: Orphanet 1942, Orphanet 2382, MedGen C3809278, MONDO:0014150, OMIM 615369.

Allele frequency attached by ClinVar (database versions not stated): TOPMed below 0.00001; gnomAD exomes 0.00001 and 0.00002; ExAC 0.00002.
gnomAD v4.1: 23 of 1,614,102 alleles (0.0014%); highest among the groups gnomAD compares: Middle Eastern, 0.016%; no homozygotes.

Submission:

Labcorp Genetics (formerly Invitae), Labcorp
Classification: Uncertain significance for Developmental and epileptic encephalopathy 94. Last evaluated: 2025-04-17. Review status: criteria provided, single submitter. Criteria: Invitae Variant Classification Sherloc (09022015). Collection method: clinical testing. Allele origin: germline.
Comment: This sequence change replaces tyrosine, which is neutral and polar, with histidine, which is basic and polar, at codon 1670 of the CHD2 protein (p.Tyr1670His). This variant is present in population databases (rs775504391, gnomAD 0.003%). This variant has not been reported in the literature in individuals affected with CHD2-related conditions. ClinVar contains an entry for this variant (Variation ID: 1045016). Invitae Evidence Modeling of protein sequence and biophysical properties (such as structural, functional, and spatial information, amino acid conservation, physicochemical variation, residue mobility, and thermodynamic stability) indicates that this missense variant is not expected to disrupt CHD2 protein function with a negative predictive value of 95%. In summary, the available evidence is currently insufficient to determine the role of this variant in disease. Therefore, it has been classified as a Variant of Uncertain Significance.